The following is an entry in ClinVar:

NM_020829.4(RIC1):c.3294T>C (p.Arg1098=)

Gene: RIC1 (RIC1 partner of RAB6A GEF complex; plus strand). Cytogenetic location: 9p24.1.
Variant type: single nucleotide variant.
Coding change: c.3294T>C on transcript NM_020829.4 (MANE Select); coding-DNA position 3294, T replaced by C.
Protein change: p.Arg1098=; no amino-acid change (arginine 1098 retained).
Molecular consequence: synonymous variant.
Genome position (GRCh38, 1-based): chr9:5,769,126, T>C. VCF-style: chr9-5769126-T-C. GRCh37 (hg19) VCF-style: chr9-5769126-T-C.
Other names: c.3294T>C, p.Arg1098= (NM_001135920.4); c.3183T>C, p.Arg1061= (NM_001206557.2).
Identifiers: ClinVar variation 2673167 (VCV002673167.23), dbSNP rs767350707, ClinGen allele CA4975130.

ClinVar aggregate classification (germline): Likely benign (1 of 4 stars; one submission).

Allele frequency attached by ClinVar (database versions not stated): ExAC 0.00001; gnomAD 0.00001; gnomAD exomes 0.00001; TOPMed 0.00003.
gnomAD v4.1: 14 of 1,614,048 alleles (0.00087%); highest among the groups gnomAD compares: African/African-American, 0.0093%; no homozygotes.

Submission:

CeGaT Center for Human Genetics Tuebingen
Classification: Likely benign. Last evaluated: 2023-11-01. Review status: criteria provided, single submitter. Criteria: CeGaT Center For Human Genetics Tuebingen Variant Classification Criteria Version 2. Collection method: clinical testing. Allele origin: germline. Affected: yes. Observed: 1 variant allele.
Comment: RIC1: BP4, BP7